The following is an entry in ClinVar:

NM_177924.5(ASAH1):c.593T>C (p.Val198Ala)

Gene: ASAH1 (N-acylsphingosine amidohydrolase 1; minus strand). Cytogenetic location: 8p22.
Variant type: single nucleotide variant.
Coding change: c.593T>C on transcript NM_177924.5 (MANE Select); coding-DNA position 593, T replaced by C.
Protein change: p.Val198Ala; replaces valine 198 with alanine.
Molecular consequence: missense variant.
Genome position (GRCh38, 1-based): chr8:18,062,334, A>G on the plus strand (T>C on the coding strand, the complement: ASAH1 is on the minus strand). VCF-style: chr8-18062334-A-G. GRCh37 (hg19) VCF-style: chr8-17919843-A-G.
Other names: c.575T>C, p.Val192Ala (NM_001127505.3); c.398T>C, p.Val133Ala (NM_001363743.2); c.641T>C, p.Val214Ala (NM_004315.6); short protein forms V214A, V198A, V133A, V192A.
Identifiers: ClinVar variation 812475 (VCV000812475.1), dbSNP rs1588978706, ClinGen allele CA370429986.
Genomic context (GRCh38, chr8:18,062,334, plus strand): 5'-CTTACTGGTTTGAATCCTGTTAACATGCCCACATAGCCAGCAAAGCTTGAAGCCTTGAAG[A>G]CAGTTTTGTTGTTTCTTTGGAAATCCAAATTCACTGTTAAAGGTTTTAGTTGCTCAGTTA-3'
Protein context (NP_808592.2, residues 188-208): NLDFQRNNKT[Val198Ala]FKASSFAGYV

ClinVar aggregate classification (germline): Likely pathogenic (1 of 4 stars; one submission).

Conditions:
Farber lipogranulomatosis (FRBRL). Also called: AC DEFICIENCY; ACID CERAMIDASE DEFICIENCY; CERAMIDASE DEFICIENCY; N-LAURYLSPHINGOSINE DEACYLASE DEFICIENCY; Farber's lipogranulomatosis; Farber's disease. Identifiers: Orphanet 333, MedGen C0268255, MONDO:0009218, OMIM 228000.

Submission:

Medical Affairs, Dicerna Pharmaceuticals
Classification: Likely pathogenic for Farber lipogranulomatosis. Last evaluated: 2019-06-19. Review status: criteria provided, single submitter. Criteria: ACMG Guidelines, 2015. Collection method: literature only. Allele origin: paternal. Inheritance: Autosomal recessive inheritance. Affected: no. Observed: 2 variant alleles.
Comment: Variant c.593T>C has been assigned a clinical significance of likely pathogenic for the following reasons. Using minigene functional analysis, the missense mutation, p.V198A, resulted in skipping of exon 8 due to inactivation of an exonic splicing enhancer (ESE) element resulting in a truncated and inactive protein contributing to the severe Farber phenotype in both siblings.

Literature cited by the submitters: DOI 10.1111/cge.12316.